The following is an entry in ClinVar:

ClinVar aggregate classification (germline): Uncertain significance (1 of 4 stars; one submission).

Conditions:
Autosomal recessive limb-girdle muscular dystrophy type 2T. Also called: MUSCULAR DYSTROPHY-DYSTROGLYCANOPATHY, LIMB-GIRDLE, GMPPB-RELATED; MUSCULAR DYSTROPHY, LIMB-GIRDLE, TYPE 2T; Muscular dystrophy-dystroglycanopathy (limb-girdle), type c, 14; Limb-girdle muscular dystrophy-dystroglycanopathy, type C14. Identifiers: Orphanet 363623, MedGen C4518000, MONDO:0014142, OMIM 615352.
Muscular dystrophy-dystroglycanopathy (congenital with brain and eye anomalies), type A14. Also called: Muscular dystrophy-dystroglycanopathy (congenital with brain and eye anomalies), type a, 14; WALKER-WARBURG SYNDROME OR MUSCLE-EYE-BRAIN DISEASE, GMPPB-RELATED; Congenital Muscular Dystrophy-Dystroglycanopathy with Brain and Eye Anomalies Type A 14; Congenital muscular dystrophy-dystroglycanopathy with brain and eye anomalies, type A14. Identifiers: Orphanet 588, MedGen C3809216, MONDO:0014140, OMIM 615350.
Muscular dystrophy-dystroglycanopathy (congenital with impaired intellectual development), type B, 14. Also called: MUSCULAR DYSTROPHY, CONGENITAL, GMPPB-RELATED; Muscular dystrophy-dystroglycanopathy (congenital with intellectual disability), type B14; Congenital muscular dystrophy-dystroglycanopathy with mental retardation, type B14. Identifiers: MedGen C3809221, MONDO:0014141, OMIM 615351.

Allele frequency attached by ClinVar (database versions not stated): gnomAD exomes below 0.00001.

Submission:

Labcorp Genetics (formerly Invitae), Labcorp
Classification: Uncertain significance for Autosomal recessive limb-girdle muscular dystrophy type 2T; Muscular dystrophy-dystroglycanopathy (congenital with brain and eye anomalies), type A14; Muscular dystrophy-dystroglycanopathy (congenital with impaired intellectual development), type B, 14. Last evaluated: 2023-11-02. Review status: criteria provided, single submitter. Criteria: Invitae Variant Classification Sherloc (09022015). Collection method: clinical testing. Allele origin: germline.
Comment: This variant, c.607_609del, results in the deletion of 1 amino acid(s) of the GMPPB protein (p.Lys203del), but otherwise preserves the integrity of the reading frame. This variant is not present in population databases (gnomAD no frequency). This variant has not been reported in the literature in individuals affected with GMPPB-related conditions. ClinVar contains an entry for this variant (Variation ID: 474020). Experimental studies and prediction algorithms are not available or were not evaluated, and the functional significance of this variant is currently unknown. In summary, the available evidence is currently insufficient to determine the role of this variant in disease. Therefore, it has been classified as a Variant of Uncertain Significance.

NM_021971.4(GMPPB):c.607_609del (p.Lys203del)

Gene: GMPPB (GDP-mannose pyrophosphorylase B; minus strand). Cytogenetic location: 3p21.31.
Variant type: Deletion.
Coding change: c.607_609del on transcript NM_021971.4 (MANE Select); coding-DNA positions 607 to 609, 3 bases deleted (AAG; older notation c.607_609delAAG).
Protein change: p.Lys203del; deletes lysine 203.
Molecular consequence: inframe deletion.
Genome position (GRCh38, 1-based): chr3:49,722,463-49,722,465, CTT deleted on the plus strand (AAG on the coding strand, the reverse complement: GMPPB is on the minus strand). VCF-style (leftmost placement, unchanged base first): chr3-49722462-CCTT-C. GRCh37 (hg19) VCF-style: chr3-49759895-CCTT-C.
Other names: c.607_609del, p.Lys203del (NM_013334.4); short protein forms K203del.
Identifiers: ClinVar variation 474020 (VCV000474020.4), dbSNP rs1553691853, ClinGen allele CA658657300.